The following is an entry in ClinVar:

ClinVar aggregate classification (germline): Uncertain significance (1 of 4 stars; one submission).

Conditions:
Ullrich congenital muscular dystrophy 2 (UCMD2). Identifiers: Orphanet 75840, MedGen C4225314, MONDO:0014654, OMIM 616470.
Bethlem myopathy 2 (BTHLM2). Identifiers: Orphanet 536516, Orphanet 610, MedGen C4225313, MONDO:0034022, OMIM 616471.

Allele frequency attached by ClinVar (database versions not stated): gnomAD exomes below 0.00001.
gnomAD v4.1: 3 of 1,611,582 alleles (0.00019%); highest among the groups gnomAD compares: Non-Finnish European, 0.00025%; no homozygotes.

Submission:

Labcorp Genetics (formerly Invitae), Labcorp
Classification: Uncertain significance for Bethlem myopathy 2; Ullrich congenital muscular dystrophy 2. Last evaluated: 2024-11-18. Review status: criteria provided, single submitter. Criteria: Invitae Variant Classification Sherloc (09022015). Collection method: clinical testing. Allele origin: germline.
Comment: This sequence change replaces threonine, which is neutral and polar, with alanine, which is neutral and non-polar, at codon 1918 of the COL12A1 protein (p.Thr1918Ala). This variant is not present in population databases (gnomAD no frequency). This variant has not been reported in the literature in individuals affected with COL12A1-related conditions. ClinVar contains an entry for this variant (Variation ID: 845276). Invitae Evidence Modeling of protein sequence and biophysical properties (such as structural, functional, and spatial information, amino acid conservation, physicochemical variation, residue mobility, and thermodynamic stability) indicates that this missense variant is not expected to disrupt COL12A1 protein function with a negative predictive value of 80%. In summary, the available evidence is currently insufficient to determine the role of this variant in disease. Therefore, it has been classified as a Variant of Uncertain Significance.

NM_004370.6(COL12A1):c.5752A>G (p.Thr1918Ala)

Gene: COL12A1 (collagen type XII alpha 1 chain; minus strand). Cytogenetic location: 6q13.
Variant type: single nucleotide variant.
Coding change: c.5752A>G on transcript NM_004370.6 (MANE Select); coding-DNA position 5752, A replaced by G.
Protein change: p.Thr1918Ala; replaces threonine 1918 with alanine.
Molecular consequence: missense variant.
Genome position (GRCh38, 1-based): chr6:75,133,335, T>C on the plus strand (A>G on the coding strand, the complement: COL12A1 is on the minus strand). VCF-style: chr6-75133335-T-C. GRCh37 (hg19) VCF-style: chr6-75843051-T-C.
Other names: c.2260A>G, p.Thr754Ala (NM_080645.3); short protein forms T1918A, T754A.
Identifiers: ClinVar variation 845276 (VCV000845276.10), dbSNP rs1766405494, ClinGen allele CA364733975.